The following is an entry in ClinVar:

NM_001126108.2(SLC12A3):c.1216A>C (p.Asn406His)

Gene: SLC12A3 (solute carrier family 12 member 3; plus strand). Cytogenetic location: 16q13.
Variant type: single nucleotide variant.
Coding change: c.1216A>C on transcript NM_001126108.2 (MANE Select); coding-DNA position 1216, A replaced by C.
Protein change: p.Asn406His; replaces asparagine 406 with histidine.
Molecular consequence: missense variant.
Genome position (GRCh38, 1-based): chr16:56,879,108, A>C. VCF-style: chr16-56879108-A-C. GRCh37 (hg19) VCF-style: chr16-56913020-A-C.
Other names: c.1216A>C, p.Asn406His (NM_000339.3); c.1213A>C, p.Asn405His (NM_001126107.2); short protein forms N406H, N405H.
Identifiers: ClinVar variation 225467 (VCV000225467.12), dbSNP rs759532318, ClinGen allele CA8069403.
Genomic context (GRCh38, chr16:56,879,108, plus strand): 5'-CCCATGCTCTCCTTCCTCCTCTCAGGCTCCTGCGTGGTGCGTGATGCCTCTGGGGTCCTG[A>C]ATGACACAGTGACCCCTGGCTGGGGTGCCTGCGAGGGGCTGGCCTGCAGCTATGGCTGGA-3'
Protein context (NP_001119580.2, residues 396-416): CVVRDASGVL[Asn406His]DTVTPGWGAC

ClinVar aggregate classification (germline): Pathogenic/Likely pathogenic. Review status: criteria provided, multiple submitters, no conflicts (2 of 4 stars). 6 submissions from 6 submitters: Pathogenic (3); Likely pathogenic (2). 1 of the submissions does not count toward it. Last evaluated 2026-01-16.

Conditions:
Familial hypokalemia-hypomagnesemia (GTLMNS). Also called: gitelman syndrome; HYPOMAGNESEMIA-HYPOKALEMIA, PRIMARY RENOTUBULAR, WITH HYPOCALCIURIA; POTASSIUM AND MAGNESIUM DEPLETION. Identifiers: Orphanet 358, MedGen C0268450, MONDO:0009904, OMIM 263800.

Allele frequency attached by ClinVar (database versions not stated): TOPMed 0.00001; gnomAD exomes 0.00003 and 0.00008; ExAC 0.00020.
gnomAD v4.1: 42 of 1,613,318 alleles (0.0026%); highest among the groups gnomAD compares: East Asian, 0.091%; no homozygotes.

Submissions (6):

3billion
Classification: Likely pathogenic for Familial hypokalemia-hypomagnesemia. Last evaluated: 2026-01-16. Review status: criteria provided, single submitter. Criteria: ACMG Guidelines, 2015. Collection method: clinical testing. Allele origin: germline. Affected: yes.
Comment: The variant is observed at an extremely low frequency in the gnomAD v4.1.0 dataset (total allele frequency: 0.003%). Predicted Consequence/Location: Missense variant In silico tool predictions suggest damaging effect of the variant on gene or gene product [3Cnet: 0.97 (> 0.75, sensitivity 0.96 and precision 0.92)]. The same nucleotide change resulting in the same amino acid change has been previously reported to be associated with SLC12A3-related disorder (ClinVar ID: VCV000225467 /PMID: 14655226 /3billion dataset).The variant has been reported to be in trans with a pathogenic variant as either compound heterozygous or homozygous in at least one similarly affected unrelated individual (PMID: 32528714). Therefore, this variant is classified as Likely pathogenic according to the recommendation of ACMG/AMP guideline.

Labcorp Genetics (formerly Invitae), Labcorp
Classification: Pathogenic. Last evaluated: 2025-08-11. Review status: criteria provided, single submitter. Criteria: Invitae Variant Classification Sherloc (09022015). Collection method: clinical testing. Allele origin: germline.
Comment: This sequence change replaces asparagine, which is neutral and polar, with histidine, which is basic and polar, at codon 406 of the SLC12A3 protein (p.Asn406His). This variant is present in population databases (rs759532318, gnomAD 0.1%). This missense change has been observed in individual(s) with clinical features of Gitelman syndrome (PMID: 14655226, 17511264, 26770037, 30596175, 32528714). In at least one individual the data is consistent with being in trans (on the opposite chromosome) from a pathogenic variant. ClinVar contains an entry for this variant (Variation ID: 225467). Invitae Evidence Modeling of protein sequence and biophysical properties (such as structural, functional, and spatial information, amino acid conservation, physicochemical variation, residue mobility, and thermodynamic stability) indicates that this missense variant is expected to disrupt SLC12A3 protein function with a positive predictive value of 95%. For these reasons, this variant has been classified as Pathogenic.

Natera, Inc.
Classification: Pathogenic for Gitelman syndrome. Last evaluated: 2025-05-04. Review status: criteria provided, single submitter. Criteria: Natera Variant Classification Schema (03/2026). Collection method: clinical testing. Allele origin: germline.
Comment: The c.1216A>C variant in SLC12A3 is a missense variant predicted to cause substitution of asparagine to histidine at amino acid 406. This variant is rare in the general population with a frequency below the threshold expected for the associated phenotype(s). This variant has been observed in one or more individuals affected with the associated recessive disease, as either homozygous or compound heterozygous with a second variant (PMID: 26770037, 30596175). Additionally, this variant has been observed to segregate in affected family members (PMID: 26770037). Computational prediction algorithms indicate this variant is likely to affect gene or protein function. Given the available evidence, this variant is classified as Pathogenic.

Fulgent Genetics
Classification: Likely pathogenic for Familial hypokalemia-hypomagnesemia. Last evaluated: 2024-05-20. Review status: criteria provided, single submitter. Criteria: ACMG Guidelines, 2015. Collection method: clinical testing. Allele origin: germline.

Juno Genomics, Hangzhou Juno Genomics, Inc
Classification: Pathogenic for Familial hypokalemia-hypomagnesemia. Review status: criteria provided, single submitter. Criteria: ACMG Guidelines, 2015. Collection method: clinical testing. Allele origin: germline.
Comment: For recessive disorders, detected in trans with a pathogenic variant.;Patient's phenotype or family history is highly specific for a disease with a single genetic etiology.;Co-segregation with disease in multiple affected family members.

Soonchunhyang University Bucheon Hospital, Soonchunhyang University Medical Center
Classification: Uncertain significance for Familial hypokalemia-hypomagnesemia. Last evaluated: 2016-03-18. Review status: flagged submission. Criteria: ACMG Guidelines, 2015. Collection method: reference population. Allele origin: germline. Not counted in ClinVar's aggregate classification.
ClinVar note: Reason: Older and outlier claim with insufficient supporting evidence

Literature cited by the submitters: PubMed 14655226 (cited by 3 submitters); PubMed 32528714 (cited by 3billion and Labcorp Genetics (formerly Invitae), Labcorp); PubMed 17511264 (cited by Labcorp Genetics (formerly Invitae), Labcorp); PubMed 26770037 (cited by Labcorp Genetics (formerly Invitae), Labcorp and Natera, Inc.); PubMed 30596175 (cited by Labcorp Genetics (formerly Invitae), Labcorp and Natera, Inc.).